The following is an entry in ClinVar:

NM_001197104.2(KMT2A):c.8453C>A (p.Pro2818His)

Gene: KMT2A (lysine methyltransferase 2A; plus strand). Cytogenetic location: 11q23.3.
Variant type: single nucleotide variant.
Coding change: c.8453C>A on transcript NM_001197104.2 (MANE Select); coding-DNA position 8453, C replaced by A.
Protein change: p.Pro2818His; replaces proline 2818 with histidine.
Molecular consequence: missense variant.
Genome position (GRCh38, 1-based): chr11:118,504,345, C>A. VCF-style: chr11-118504345-C-A. GRCh37 (hg19) VCF-style: chr11-118375060-C-A.
Other names: c.8543C>A, p.Pro2848His (NM_001412597.1); c.8444C>A, p.Pro2815His (NM_005933.4); short protein forms P2815H, P2818H, P2848H.
Identifiers: ClinVar variation 2973609 (VCV002973609.3), dbSNP rs781858437, ClinGen allele CA6304502.

ClinVar aggregate classification (germline): Uncertain significance (1 of 4 stars; one submission).

Submission:

Labcorp Genetics (formerly Invitae), Labcorp
Classification: Uncertain significance. Last evaluated: 2024-11-13. Review status: criteria provided, single submitter. Criteria: Invitae Variant Classification Sherloc (09022015). Collection method: clinical testing. Allele origin: germline.
Comment: This sequence change replaces proline, which is neutral and non-polar, with histidine, which is basic and polar, at codon 2818 of the KMT2A protein (p.Pro2818His). This variant is present in population databases (rs781858437, gnomAD 0.003%). This variant has not been reported in the literature in individuals affected with KMT2A-related conditions. ClinVar contains an entry for this variant (Variation ID: 2973609). Invitae Evidence Modeling of protein sequence and biophysical properties (such as structural, functional, and spatial information, amino acid conservation, physicochemical variation, residue mobility, and thermodynamic stability) indicates that this missense variant is not expected to disrupt KMT2A protein function with a negative predictive value of 95%. In summary, the available evidence is currently insufficient to determine the role of this variant in disease. Therefore, it has been classified as a Variant of Uncertain Significance.